The following is an entry in ClinVar:

ClinVar aggregate classification (germline): Likely benign (0 of 4 stars; one submission).

Conditions:
H19-related disorder. Also called: H19-related condition.

Submission:

PreventionGenetics, part of Exact Sciences
Classification: Likely benign for H19-related condition. Last evaluated: 2020-06-10. Review status: no assertion criteria provided. Collection method: clinical testing. Allele origin: germline.
Comment: This variant is classified as likely benign based on ACMG/AMP sequence variant interpretation guidelines (Richards et al. 2015 PMID: 25741868, with internal and published modifications).

NR_002196.2(H19):n.1358+10delT

Genes: H19 (H19 imprinted maternally expressed transcript; minus strand), MRPL23 (mitochondrial ribosomal protein L23; plus strand). Cytogenetic location: 11p15.5.
Variant type: Deletion.
Molecular consequence: intron variant (on NM_001400176.1).
Genome position: GRCh38 VCF-style: chr11-1996507-GA-G. GRCh37 (hg19) VCF-style: chr11-2017737-GA-G.
Other names: c.498-15029del (NM_001400176.1).
Identifiers: ClinVar variation 3054515 (VCV003054515.2), dbSNP rs1432711115, ClinGen allele CA597431363.